The following is an entry in ClinVar:

NM_017999.5(RNF31):c.2665C>G (p.His889Asp)

Gene: RNF31 (ring finger protein 31; plus strand). Cytogenetic location: 14q12.
Variant type: single nucleotide variant.
Coding change: c.2665C>G on transcript NM_017999.5 (MANE Select); coding-DNA position 2665, C replaced by G.
Protein change: p.His889Asp; replaces histidine 889 with aspartic acid.
Molecular consequence: missense variant.
Genome position (GRCh38, 1-based): chr14:24,157,576, C>G. VCF-style: chr14-24157576-C-G. GRCh37 (hg19) VCF-style: chr14-24626785-C-G.
Other names: c.2212C>G, p.His738Asp (NM_001310332.2); short protein forms H889D, H738D.
Identifiers: ClinVar variation 1417905 (VCV001417905.8), dbSNP rs371536983, ClinGen allele CA257873862.

ClinVar aggregate classification (germline): Uncertain significance (1 of 4 stars; one submission).

Allele frequency attached by ClinVar (database versions not stated): gnomAD 0.00001; TOPMed 0.00002; ESP Exome Variant Server 0.00008.
gnomAD v4.1: 19 of 1,614,062 alleles (0.0012%); highest among the groups gnomAD compares: Non-Finnish European, 0.0016%; no homozygotes.

Submission:

Labcorp Genetics (formerly Invitae), Labcorp
Classification: Uncertain significance. Last evaluated: 2021-06-18. Review status: criteria provided, single submitter. Criteria: Invitae Variant Classification Sherloc (09022015). Collection method: clinical testing. Allele origin: germline.
Comment: In summary, the available evidence is currently insufficient to determine the role of this variant in disease. Therefore, it has been classified as a Variant of Uncertain Significance. Algorithms developed to predict the effect of missense changes on protein structure and function (SIFT, PolyPhen-2, Align-GVGD) all suggest that this variant is likely to be tolerated, but these predictions have not been confirmed by published functional studies and their clinical significance is uncertain. This variant has not been reported in the literature in individuals with RNF31-related conditions. This variant is not present in population databases (ExAC no frequency). This sequence change replaces histidine with aspartic acid at codon 889 of the RNF31 protein (p.His889Asp). The histidine residue is weakly conserved and there is a moderate physicochemical difference between histidine and aspartic acid.